The following is an entry in ClinVar:

NM_015662.3(IFT172):c.4194dup (p.Phe1399fs)

Gene: IFT172 (intraflagellar transport 172; minus strand). Cytogenetic location: 2p23.3.
Variant type: Duplication.
Coding change: c.4194dup on transcript NM_015662.3 (MANE Select); coding-DNA position 4194, one base duplicated (G; older notation c.4194dupG).
Protein change: p.Phe1399fs; shifts the reading frame from phenylalanine 1399.
Molecular consequence: frameshift variant.
Genome position (GRCh38, 1-based): chr2:27,449,529, C duplicated on the plus strand (G on the coding strand, the reverse complement: IFT172 is on the minus strand). VCF-style (leftmost placement, unchanged base first): chr2-27449528-A-AC. GRCh37 (hg19) VCF-style: chr2-27672395-A-AC.
Other names: short protein forms F1399fs.
Identifiers: ClinVar variation 1431370 (VCV001431370.6), dbSNP rs2148477695, ClinGen allele CA2573134446.

ClinVar aggregate classification (germline): Pathogenic (1 of 4 stars; one submission).

Conditions:
Short-rib thoracic dysplasia 10 with or without polydactyly (SRTD10). Identifiers: Orphanet 474, MedGen C3810175, MONDO:0014284, OMIM 615630.
Retinitis pigmentosa 71 (RP71). Identifiers: Orphanet 791, MedGen C4225342, MONDO:0014618, OMIM 616394.

Submission:

Labcorp Genetics (formerly Invitae), Labcorp
Classification: Pathogenic for Retinitis pigmentosa 71; Short-rib thoracic dysplasia 10 with or without polydactyly. Last evaluated: 2022-02-04. Review status: criteria provided, single submitter. Criteria: Invitae Variant Classification Sherloc (09022015). Collection method: clinical testing. Allele origin: germline.
Comment: For these reasons, this variant has been classified as Pathogenic. This variant has not been reported in the literature in individuals affected with IFT172-related conditions. This variant is not present in population databases (gnomAD no frequency). This sequence change creates a premature translational stop signal (p.Phe1399Valfs*34) in the IFT172 gene. It is expected to result in an absent or disrupted protein product. Loss-of-function variants in IFT172 are known to be pathogenic (PMID: 24140113).

Literature cited by the submitters: PubMed 24140113.